The following is an entry in ClinVar:

NM_178229.5(IQGAP3):c.4563C>T (p.Pro1521=)

Gene: IQGAP3 (IQ motif containing GTPase activating protein 3; minus strand). Cytogenetic location: 1q22.
Variant type: single nucleotide variant.
Coding change: c.4563C>T on transcript NM_178229.5 (MANE Select); coding-DNA position 4563, C replaced by T.
Protein change: p.Pro1521=; no amino-acid change (proline 1521 retained).
Molecular consequence: synonymous variant.
Genome position (GRCh38, 1-based): chr1:156,528,924, G>A on the plus strand (C>T on the coding strand, the complement: IQGAP3 is on the minus strand). VCF-style: chr1-156528924-G-A. GRCh37 (hg19) VCF-style: chr1-156498716-G-A.
Identifiers: ClinVar variation 3034682 (VCV003034682.2), dbSNP rs201066805, ClinGen allele CA1160669.

ClinVar aggregate classification (germline): Likely benign (0 of 4 stars; one submission).

Conditions:
IQGAP3-related disorder. Also called: IQGAP3-related condition.

Allele frequency attached by ClinVar (database versions not stated): gnomAD 0.00005; 1000 Genomes Project 30x 0.00031; 1000 Genomes Project 0.00040.
gnomAD v4.1: 65 of 1,614,150 alleles (0.004%); highest among the groups gnomAD compares: South Asian, 0.025%; no homozygotes.

Submission:

PreventionGenetics, part of Exact Sciences
Classification: Likely benign for IQGAP3-related condition. Last evaluated: 2019-03-04. Review status: no assertion criteria provided. Collection method: clinical testing. Allele origin: germline.
Comment: This variant is classified as likely benign based on ACMG/AMP sequence variant interpretation guidelines (Richards et al. 2015 PMID: 25741868, with internal and published modifications).